The following is an entry in ClinVar:

NM_024675.4(PALB2):c.3305G>T (p.Ser1102Ile)

Gene: PALB2 (partner and localizer of BRCA2; minus strand). Cytogenetic location: 16p12.2.
Variant type: single nucleotide variant.
Coding change: c.3305G>T on transcript NM_024675.4 (MANE Select); coding-DNA position 3305, G replaced by T.
Protein change: p.Ser1102Ile; replaces serine 1102 with isoleucine.
Molecular consequence: missense variant.
Genome position (GRCh38, 1-based): chr16:23,607,909, C>A on the plus strand (G>T on the coding strand, the complement: PALB2 is on the minus strand). VCF-style: chr16-23607909-C-A. GRCh37 (hg19) VCF-style: chr16-23619230-C-A.
Other names: short protein forms S1102I.
Identifiers: ClinVar variation 1484364 (VCV001484364.9), dbSNP rs2142272071, ClinGen allele CA395139475.

ClinVar aggregate classification (germline): Uncertain significance (1 of 4 stars; one submission).

Conditions:
Familial cancer of breast. Also called: Hereditary breast cancer; BREAST CANCER, FAMILIAL; hereditary breast carcinoma. Identifiers: Orphanet 227535, MedGen C0346153, MONDO:0016419, OMIM 114480. Disease mechanism: loss of function.

Submission:

Labcorp Genetics (formerly Invitae), Labcorp
Classification: Uncertain significance for Familial cancer of breast. Last evaluated: 2020-12-31. Review status: criteria provided, single submitter. Criteria: Invitae Variant Classification Sherloc (09022015). Collection method: clinical testing. Allele origin: germline.
Comment: In summary, the available evidence is currently insufficient to determine the role of this variant in disease. Therefore, it has been classified as a Variant of Uncertain Significance. Algorithms developed to predict the effect of missense changes on protein structure and function are either unavailable or do not agree on the potential impact of this missense change (SIFT: "Tolerated"; PolyPhen-2: "Possibly Damaging"; Align-GVGD: "Class C0"). This variant has not been reported in the literature in individuals with PALB2-related conditions. This variant is not present in population databases (ExAC no frequency). This sequence change replaces serine with isoleucine at codon 1102 of the PALB2 protein (p.Ser1102Ile). The serine residue is moderately conserved and there is a large physicochemical difference between serine and isoleucine.